The following is an entry in ClinVar:

ClinVar aggregate classification (germline): Pathogenic (1 of 4 stars; one submission).

Conditions:
Familial cancer of breast. Also called: BREAST CANCER, FAMILIAL; Hereditary breast cancer; hereditary breast carcinoma. Identifiers: Orphanet 227535, MedGen C0346153, MONDO:0016419, OMIM 114480. Disease mechanism: loss of function.

Submission:

Myriad Genetics, Inc.
Classification: Pathogenic for Familial cancer of breast. Last evaluated: 2024-01-17. Review status: criteria provided, single submitter. Criteria: Myriad Autosomal Dominant, Autosomal Recessive and X-Linked Classification Criteria (2023). Collection method: clinical testing. Allele origin: unknown.
Comment: This variant is considered pathogenic. This variant creates a frameshift predicted to result in premature protein truncation.

NM_000051.4(ATM):c.1993_1994del (p.Ile665fs)

Gene: ATM (ATM serine/threonine kinase; plus strand). Cytogenetic location: 11q22.3.
Variant type: Deletion.
Coding change: c.1993_1994del on transcript NM_000051.4 (MANE Select); coding-DNA positions 1993 to 1994, 2 bases deleted (AT; older notation c.1993_1994delAT).
Protein change: p.Ile665fs; shifts the reading frame from isoleucine 665.
Molecular consequence: frameshift variant.
Genome position (GRCh38, 1-based): chr11:108,253,908-108,253,909, AT deleted. VCF-style (leftmost placement, unchanged base first): chr11-108253907-CAT-C. GRCh37 (hg19) VCF-style: chr11-108124634-CAT-C.
Other names: c.1993_1994del, p.Ile665fs (NM_001351834.2); short protein forms I665fs.
Identifiers: ClinVar variation 3148324 (VCV003148324.1), dbSNP rs2497313639, ClinGen allele CA2825001777.